The following is an entry in ClinVar:

NM_000078.3(CETP):c.1269G>T (p.Gln423His)

Gene: CETP (cholesteryl ester transfer protein; plus strand). Cytogenetic location: 16q13.
Variant type: single nucleotide variant.
Coding change: c.1269G>T on transcript NM_000078.3 (MANE Select); coding-DNA position 1269, G replaced by T.
Protein change: p.Gln423His; replaces glutamine 423 with histidine.
Molecular consequence: missense variant.
Genome position (GRCh38, 1-based): chr16:56,982,185, G>T. VCF-style: chr16-56982185-G-T. GRCh37 (hg19) VCF-style: chr16-57016097-G-T.
Other names: c.1089G>T, p.Gln363His (NM_001286085.2); short protein forms Q363H, Q423H.
Identifiers: ClinVar variation 4720471 (VCV004720471.1).

ClinVar aggregate classification (germline): Uncertain significance (1 of 4 stars; one submission).

Submission:

Labcorp Genetics (formerly Invitae), Labcorp
Classification: Uncertain significance. Last evaluated: 2025-09-16. Review status: criteria provided, single submitter. Criteria: Invitae Variant Classification Sherloc (09022015). Collection method: clinical testing. Allele origin: germline.
Comment: This sequence change replaces glutamine, which is neutral and polar, with histidine, which is basic and polar, at codon 423 of the CETP protein (p.Gln423His). This variant is not present in population databases (gnomAD no frequency). This variant has not been reported in the literature in individuals affected with CETP-related conditions. Invitae Evidence Modeling of protein sequence and biophysical properties (such as structural, functional, and spatial information, amino acid conservation, physicochemical variation, residue mobility, and thermodynamic stability) has been performed for this missense variant. However, the output from this modeling did not meet the statistical confidence thresholds required to predict the impact of this variant on CETP protein function. In summary, the available evidence is currently insufficient to determine the role of this variant in disease. Therefore, it has been classified as a Variant of Uncertain Significance.